The following is an entry in ClinVar:

NM_182961.4(SYNE1):c.18103G>T (p.Ala6035Ser)

Gene: SYNE1 (spectrin repeat containing nuclear envelope protein 1; minus strand). Cytogenetic location: 6q25.2.
Variant type: single nucleotide variant.
Coding change: c.18103G>T on transcript NM_182961.4 (MANE Select); coding-DNA position 18103, G replaced by T.
Protein change: p.Ala6035Ser; replaces alanine 6035 with serine.
Molecular consequence: missense variant.
Genome position (GRCh38, 1-based): chr6:152,284,082, C>A on the plus strand (G>T on the coding strand, the complement: SYNE1 is on the minus strand). VCF-style: chr6-152284082-C-A. GRCh37 (hg19) VCF-style: chr6-152605217-C-A.
Other names: c.17890G>T, p.Ala5964Ser (NM_033071.5); short protein forms A6035S, A5964S.
Identifiers: ClinVar variation 639624 (VCV000639624.6), dbSNP rs557248018, ClinGen allele CA150184266.
Genomic context (GRCh38, chr6:152,284,082, plus strand): 5'-ACATTCGCTCGGCTAAGACAGTGAGCGTGGACTGCAAGGCCAGCTGCTCCGCAGGGTCGG[C>A]CTCACAAGACTCGGATACCAGCTCCTCTGCGAGAGAGGACTGGAGCTCATTGATTTCATC-3'
Protein context (NP_892006.3, residues 6025-6045): AEELVSESCE[Ala6035Ser]DPAEQLALQS

ClinVar aggregate classification (germline): Uncertain significance (1 of 4 stars; one submission).

Conditions:
Autosomal recessive ataxia, Beauce type. Also called: Spinocerebellar ataxia, autosomal recessive 8; ATAXIA, RECESSIVE, OF BEAUCE; SYNE1 Deficiency; SYNE1-Related Autosomal Recessive Cerebellar Ataxia. Identifiers: Orphanet 88644, MedGen C1853116, MONDO:0012549, OMIM 610743.
Emery-Dreifuss muscular dystrophy 4, autosomal dominant (EDMD4). Also called: EMERY-DREIFUSS MUSCULAR DYSTROPHY 4 WITH VARIABLE FEATURES. Identifiers: Orphanet 261, MedGen C2751807, MONDO:0013071, OMIM 612998.

Allele frequency attached by ClinVar (database versions not stated): gnomAD 0.00001; gnomAD exomes 0.00001 and 0.00002.
gnomAD v4.1: 22 of 1,614,056 alleles (0.0014%); highest among the groups gnomAD compares: Non-Finnish European, 0.0019%; no homozygotes.

Submission:

Labcorp Genetics (formerly Invitae), Labcorp
Classification: Uncertain significance for Emery-Dreifuss muscular dystrophy 4, autosomal dominant; Autosomal recessive ataxia, Beauce type. Last evaluated: 2025-02-24. Review status: criteria provided, single submitter. Criteria: Invitae Variant Classification Sherloc (09022015). Collection method: clinical testing. Allele origin: germline.
Comment: This sequence change replaces alanine, which is neutral and non-polar, with serine, which is neutral and polar, at codon 5964 of the SYNE1 protein (p.Ala5964Ser). This variant is present in population databases (rs557248018, gnomAD 0.004%). This variant has not been reported in the literature in individuals affected with SYNE1-related conditions. ClinVar contains an entry for this variant (Variation ID: 639624). An algorithm developed to predict the effect of missense changes on protein structure and function outputs the following: PolyPhen-2: "Benign". The serine amino acid residue is found in multiple mammalian species, which suggests that this missense change does not adversely affect protein function. In summary, the available evidence is currently insufficient to determine the role of this variant in disease. Therefore, it has been classified as a Variant of Uncertain Significance.